The following is an entry in ClinVar:

NM_207581.4(DUOXA2):c.413dup (p.Tyr138Ter)

Gene: DUOXA2 (dual oxidase maturation factor 2; plus strand). Cytogenetic location: 15q21.1.
Variant type: Duplication.
Coding change: c.413dup on transcript NM_207581.4 (MANE Select); coding-DNA position 413, one base duplicated (A; older notation c.413dupA).
Protein change: p.Tyr138Ter; replaces tyrosine 138 with a stop codon.
Molecular consequence: nonsense.
Genome position (GRCh38, 1-based): chr15:45,116,588, A duplicated. VCF-style (leftmost placement, unchanged base first): chr15-45116587-T-TA. GRCh37 (hg19) VCF-style: chr15-45408785-T-TA.
Other names: short protein forms Y138*.
Identifiers: ClinVar variation 225344 (VCV000225344.9), dbSNP rs778410503, ClinGen allele CA7539391.
Genomic context (GRCh38, chr15:45,116,587, plus strand): 5'-CATCAGCTGAACGAGACCATTGACTACAACGAGCAGTTCACCTGGCGTCTGAAAGAGAAT[T>TA]ACGCCGCGGAGTACGCGAACGCACTGGAGAAGGGGCTGCCGGACCCAGTGCTCTACCTGG-3'

ClinVar aggregate classification (germline): Pathogenic/Likely pathogenic. Review status: criteria provided, multiple submitters, no conflicts (2 of 4 stars). 5 submissions from 5 submitters: Pathogenic (4); Likely pathogenic (1). Last evaluated 2024-05-07.

Conditions:
Familial thyroid dyshormonogenesis. Identifiers: Orphanet 95716, MedGen C4273748, MONDO:0010132.
Thyroglobulin synthesis defect (TDH5). Also called: Thyroid dyshormonogenesis 5; HYPOTHYROIDISM, CONGENITAL, DUE TO DYSHORMONOGENESIS, 5; THYROID HORMONOGENESIS, GENETIC DEFECT IN, 5. Identifiers: Orphanet 95716, MedGen C0342196, MONDO:0010137, OMIM 274900.

Allele frequency attached by ClinVar (database versions not stated): gnomAD exomes 0.00005 and 0.00024; TOPMed 0.00006; gnomAD 0.00008 and 0.00009; ExAC 0.00020.

Submissions (5):

Fulgent Genetics
Classification: Pathogenic for Thyroglobulin synthesis defect. Last evaluated: 2024-05-07. Review status: criteria provided, single submitter. Criteria: ACMG Guidelines, 2015. Collection method: clinical testing. Allele origin: germline.

3billion
Classification: Pathogenic for Thyroglobulin synthesis defect. Last evaluated: 2023-08-14. Review status: criteria provided, single submitter. Criteria: ACMG Guidelines, 2015. Collection method: clinical testing. Allele origin: germline. Affected: yes.
Comment: The variant is observed at an extremely low frequency in the gnomAD v2.1.1 dataset (total allele frequency: 0.023%). Predicted Consequence/Location: Stop-gained (nonsense): predicted to result in a loss or disruption of normal protein function through nonsense-mediated decay (NMD) or protein truncation. Multiple pathogenic variants are reported downstream of the variant. The variant has been reported at least twice as pathogenic with clinical assertions and evidence for the classification (ClinVar ID: VCV000225344 /PMID: 23292166). Therefore, this variant is classified as Pathogenic according to the recommendation of ACMG/AMP guideline.

Department of Pathology and Laboratory Medicine, Sinai Health System
Classification: Likely pathogenic for Familial thyroid dyshormonogenesis. Last evaluated: 2022-12-21. Review status: criteria provided, single submitter. Criteria: ACMG Guidelines, 2015. Collection method: research. Allele origin: germline.

Soonchunhyang University Bucheon Hospital, Soonchunhyang University Medical Center
Classification: Pathogenic for Thyroglobulin synthesis defect. Last evaluated: 2016-03-18. Review status: criteria provided, single submitter. Criteria: ACMG Guidelines, 2015. Collection method: reference population. Allele origin: germline. Observed: 2 variant alleles.

Juno Genomics, Hangzhou Juno Genomics, Inc
Classification: Pathogenic for Thyroglobulin synthesis defect. Review status: criteria provided, single submitter. Criteria: ACMG Guidelines, 2015. Collection method: clinical testing. Allele origin: germline.
Comment: Null variant in a gene where loss of function (LOF) is a known mechanism of disease.;For recessive disorders, detected in trans with a pathogenic variant.;Patient's phenotype or family history is highly specific for a disease with a single genetic etiology.

Literature cited by the submitters: PubMed 23292166 (cited by 3billion and Soonchunhyang University Bucheon Hospital, Soonchunhyang University Medical Center); PubMed 18042646 (cited by Soonchunhyang University Bucheon Hospital, Soonchunhyang University Medical Center).